The following is an entry in ClinVar:

ClinVar aggregate classification (germline): Uncertain significance (1 of 4 stars; one submission).

Conditions:
Myopathy, proximal, and ophthalmoplegia (CMYO6). Also called: CONGENITAL MYOPATHY 6 WITH OPHTHALMOPLEGIA; MYOPATHY WITH CONGENITAL JOINT CONTRACTURES, OPHTHALMOPLEGIA, AND RIMMED VACUOLES; INCLUSION BODY MYOPATHY 3, AUTOSOMAL DOMINANT. Identifiers: Orphanet 363677, Orphanet 79091, MedGen C1854106, MONDO:0011577, OMIM 605637.

Allele frequency attached by ClinVar (database versions not stated): gnomAD exomes below 0.00001.
gnomAD v4.1: 1 of 1,614,122 alleles (0.000062%); highest among the groups gnomAD compares: Non-Finnish European, 0.000085%; no homozygotes.

Submission:

Labcorp Genetics (formerly Invitae), Labcorp
Classification: Uncertain significance for Myopathy, proximal, and ophthalmoplegia. Last evaluated: 2022-10-27. Review status: criteria provided, single submitter. Criteria: Invitae Variant Classification Sherloc (09022015). Collection method: clinical testing. Allele origin: germline.
Comment: This variant is not present in population databases (gnomAD no frequency). In summary, the available evidence is currently insufficient to determine the role of this variant in disease. Therefore, it has been classified as a Variant of Uncertain Significance. Advanced modeling of protein sequence and biophysical properties (such as structural, functional, and spatial information, amino acid conservation, physicochemical variation, residue mobility, and thermodynamic stability) performed at Invitae indicates that this missense variant is not expected to disrupt MYH2 protein function. This variant has not been reported in the literature in individuals affected with MYH2-related conditions. This sequence change replaces isoleucine, which is neutral and non-polar, with threonine, which is neutral and polar, at codon 1918 of the MYH2 protein (p.Ile1918Thr).

NM_017534.6(MYH2):c.5753T>C (p.Ile1918Thr)

Genes: MYHAS (myosin heavy chain gene cluster antisense RNA; plus strand), MYH2 (myosin heavy chain 2; minus strand). Cytogenetic location: 17p13.1.
Variant type: single nucleotide variant.
Coding change: c.5753T>C on transcript NM_017534.6 (MANE Select); coding-DNA position 5753, T replaced by C.
Protein change: p.Ile1918Thr; replaces isoleucine 1918 with threonine.
Molecular consequence: missense variant.
Genome position (GRCh38, 1-based): chr17:10,521,353, A>G on the plus strand (T>C on the coding strand, the complement: MYH2 is on the minus strand). VCF-style: chr17-10521353-A-G. GRCh37 (hg19) VCF-style: chr17-10424670-A-G.
Other names: c.5753T>C, p.Ile1918Thr (NM_001100112.2); short protein forms I1918T.
Identifiers: ClinVar variation 1716591 (VCV001716591.6), dbSNP rs2508401635, ClinGen allele CA398110196.
Genomic context (GRCh38, chr17:10,521,353, plus strand): 5'-ATGACTTTTGTGTGAACCTCCCGGCTCTTCACCCGCAGTTTGTTCACCTGGGACTCAGCA[A>G]TGTCAGCCCGTTCCTCGGCCTCCTCCAGCTCATGCTGGAGCTTGCGGAATTTAGCTAGAT-3'
Protein context (NP_060004.3, residues 1908-1928): ELEEAEERAD[Ile1918Thr]AESQVNKLRV